The following is an entry in ClinVar:

ClinVar aggregate classification (germline): Uncertain significance. Review status: criteria provided, multiple submitters, no conflicts (2 of 4 stars). 3 submissions from 3 submitters: Uncertain significance (3). Last evaluated 2026-07-29.

Conditions:
DNMT1-related disorder. Also called: DNMT1-related condition. Identifiers: MedGen CN381527.
Hereditary sensory neuropathy-deafness-dementia syndrome. Also called: HSN IE; Hereditary sensory neuropathy type IE; NEUROPATHY, HEREDITARY SENSORY, WITH HEARING LOSS AND DEMENTIA; Hereditary Sensory and Autonomic Neuropathy Type 1E (HSAN1E). Identifiers: Orphanet 456318, MedGen C3279885, MONDO:0013584, OMIM 614116.

Allele frequency attached by ClinVar (database versions not stated): gnomAD exomes 0.00001; ExAC 0.00002; gnomAD 0.00002 and 0.00003; TOPMed 0.00004.

Submissions (3):

PreventionGenetics, part of Exact Sciences
Classification: Uncertain significance for DNMT1-related condition. Last evaluated: 2026-07-29. Review status: criteria provided, single submitter. Criteria: ACMG Guidelines, 2015. Collection method: clinical testing. Allele origin: germline.
Comment: The DNMT1 c.205C>T variant is predicted to result in the amino acid substitution p.Arg69Cys. To our knowledge, this variant has not been reported in the literature. This variant is reported in 0.0054% of alleles in individuals of East Asian descent in gnomAD. At this time, the clinical significance of this variant is uncertain due to the absence of conclusive functional and genetic evidence.

Labcorp Genetics (formerly Invitae), Labcorp
Classification: Uncertain significance for Hereditary sensory neuropathy-deafness-dementia syndrome. Last evaluated: 2024-10-15. Review status: criteria provided, single submitter. Criteria: Invitae Variant Classification Sherloc (09022015). Collection method: clinical testing. Allele origin: germline.
Comment: This sequence change replaces arginine, which is basic and polar, with cysteine, which is neutral and slightly polar, at codon 69 of the DNMT1 protein (p.Arg69Cys). This variant is present in population databases (rs753673660, gnomAD 0.006%). This variant has not been reported in the literature in individuals affected with DNMT1-related conditions. ClinVar contains an entry for this variant (Variation ID: 948595). An algorithm developed to predict the effect of missense changes on protein structure and function (PolyPhen-2) suggests that this variant is likely to be disruptive. In summary, the available evidence is currently insufficient to determine the role of this variant in disease. Therefore, it has been classified as a Variant of Uncertain Significance.

Blueprint Genetics
Classification: Uncertain significance. Last evaluated: 2023-08-10. Review status: criteria provided, single submitter. Criteria: ACMG Guidelines, 2015. Collection method: clinical testing. Allele origin: germline.

NM_001130823.3(DNMT1):c.205C>T (p.Arg69Cys)

Gene: DNMT1 (DNA methyltransferase 1; minus strand). Cytogenetic location: 19p13.2.
Variant type: single nucleotide variant.
Coding change: c.205C>T on transcript NM_001130823.3 (MANE Select); coding-DNA position 205, C replaced by T.
Protein change: p.Arg69Cys; replaces arginine 69 with cysteine.
Molecular consequence: missense variant. On other transcripts: 5 prime UTR variant (1).
Genome position (GRCh38, 1-based): chr19:10,180,798, G>A on the plus strand (C>T on the coding strand, the complement: DNMT1 is on the minus strand). VCF-style: chr19-10180798-G-A. GRCh37 (hg19) VCF-style: chr19-10291474-G-A.
Other names: c.205C>T, p.Arg69Cys (NM_001318730.2, NM_001379.4); c.-119C>T (NM_001318731.2); c.205C>T (NM_001130823.2); short protein forms R69C.
Identifiers: ClinVar variation 948595 (VCV000948595.11), dbSNP rs753673660, ClinGen allele CA9188820.